The following is an entry in ClinVar:

NM_032802.4(SPPL2A):c.309T>G (p.Ile103Met)

Gene: SPPL2A (signal peptide peptidase like 2A; minus strand). Cytogenetic location: 15q21.2.
Variant type: single nucleotide variant.
Coding change: c.309T>G on transcript NM_032802.4 (MANE Select); coding-DNA position 309, T replaced by G.
Protein change: p.Ile103Met; replaces isoleucine 103 with methionine.
Molecular consequence: missense variant.
Genome position (GRCh38, 1-based): chr15:50,748,739, A>C on the plus strand (T>G on the coding strand, the complement: SPPL2A is on the minus strand). VCF-style: chr15-50748739-A-C. GRCh37 (hg19) VCF-style: chr15-51040936-A-C.
Other names: short protein forms I103M.
Identifiers: ClinVar variation 3701310 (VCV003701310.2).

ClinVar aggregate classification (germline): Uncertain significance (1 of 4 stars; one submission).

Submission:

Labcorp Genetics (formerly Invitae), Labcorp
Classification: Uncertain significance. Last evaluated: 2024-07-15. Review status: criteria provided, single submitter. Criteria: Invitae Variant Classification Sherloc (09022015). Collection method: clinical testing. Allele origin: germline.
Comment: This sequence change replaces isoleucine, which is neutral and non-polar, with methionine, which is neutral and non-polar, at codon 103 of the SPPL2A protein (p.Ile103Met). This variant is not present in population databases (gnomAD no frequency). This variant has not been reported in the literature in individuals affected with SPPL2A-related conditions. An algorithm developed to predict the effect of missense changes on protein structure and function (PolyPhen-2) suggests that this variant is likely to be disruptive. In summary, the available evidence is currently insufficient to determine the role of this variant in disease. Therefore, it has been classified as a Variant of Uncertain Significance.